The following is an entry in ClinVar:

ClinVar aggregate classification (germline): Uncertain significance (1 of 4 stars; one submission).

Conditions:
Immunodeficiency 104. Also called: IMMUNODEFICIENCY 104, SEVERE COMBINED; SCID, AUTOSOMAL RECESSIVE, T CELL-NEGATIVE, B CELL-POSITIVE, NK CELL-POSITIVE; Severe Combined Immune Deficiency, Autosomal Recessive, TCell -Negative, B Cell-Positive, NK Cell-Positive, IL7R-Related; Severe combined immunodeficiency, autosomal recessive, T cell-negative, B cell-positive, NK cell-positive. Identifiers: MedGen C5676890, MONDO:0012163, OMIM 608971.

Allele frequency attached by ClinVar (database versions not stated): gnomAD exomes below 0.00001; TOPMed below 0.00001.
gnomAD v4.1: 1 of 1,611,142 alleles (0.000062%); highest among the groups gnomAD compares: Non-Finnish European, 0.000085%; no homozygotes.

Submission:

Labcorp Genetics (formerly Invitae), Labcorp
Classification: Uncertain significance for Immunodeficiency 104. Last evaluated: 2022-07-06. Review status: criteria provided, single submitter. Criteria: Invitae Variant Classification Sherloc (09022015). Collection method: clinical testing. Allele origin: germline.
Comment: In summary, the available evidence is currently insufficient to determine the role of this variant in disease. Therefore, it has been classified as a Variant of Uncertain Significance. Algorithms developed to predict the effect of missense changes on protein structure and function (SIFT, PolyPhen-2, Align-GVGD) all suggest that this variant is likely to be disruptive. ClinVar contains an entry for this variant (Variation ID: 1425734). This variant has not been reported in the literature in individuals affected with PTPRC-related conditions. This variant is not present in population databases (gnomAD no frequency). This sequence change replaces valine, which is neutral and non-polar, with phenylalanine, which is neutral and non-polar, at codon 747 of the PTPRC protein (p.Val747Phe).

NM_002838.5(PTPRC):c.2239G>T (p.Val747Phe)

Gene: PTPRC (protein tyrosine phosphatase receptor type C; plus strand). Cytogenetic location: 1q32.1.
Variant type: single nucleotide variant.
Coding change: c.2239G>T on transcript NM_002838.5 (MANE Select); coding-DNA position 2239, G replaced by T.
Protein change: p.Val747Phe; replaces valine 747 with phenylalanine.
Molecular consequence: missense variant.
Genome position (GRCh38, 1-based): chr1:198,734,387, G>T. VCF-style: chr1-198734387-G-T. GRCh37 (hg19) VCF-style: chr1-198703516-G-T.
Other names: c.1756G>T, p.Val586Phe (NM_080921.4); short protein forms V747F, V586F.
Identifiers: ClinVar variation 1425734 (VCV001425734.6), dbSNP rs1011811934, ClinGen allele CA35899713.